The following is an entry in ClinVar:

NC_000022.10:g.(?_50885571)_(50906910_?)del

Gene: SBF1 (SET binding factor 1; minus strand). Cytogenetic location: 22q13.33.
Variant type: Deletion.
Identifiers: ClinVar variation 1458104 (VCV001458104.4).

ClinVar aggregate classification (germline): Pathogenic (1 of 4 stars; one submission).

Submission:

Labcorp Genetics (formerly Invitae), Labcorp
Classification: Pathogenic. Last evaluated: 2022-11-15. Review status: criteria provided, single submitter. Criteria: Invitae Variant Classification Sherloc (09022015). Collection method: clinical testing. Allele origin: germline.
Comment: For these reasons, this variant has been classified as Pathogenic. This variant disrupts a region of the SBF1 protein in which other variant(s) (p.Thr1590Ala) have been determined to be pathogenic (Invitae). This suggests that this is a clinically significant region of the protein, and that variants that disrupt it are likely to be disease-causing. This variant has not been reported in the literature in individuals affected with SBF1-related conditions. This variant is a gross deletion of the genomic region encompassing exon(s) 2-41 of the SBF1 gene, which includes the termination codon. This deletion extends beyond the assayed region for this gene and therefore may encompass additional genes. While this deletion is not anticipated to lead to nonsense mediated decay, it is expected to alter mRNA translation or result in a truncated protein product.